The following is an entry in ClinVar:

ClinVar aggregate classification (germline): Likely pathogenic (1 of 4 stars; one submission).

Submission:

CeGaT Center for Human Genetics Tuebingen
Classification: Likely pathogenic. Last evaluated: 2025-11-01. Review status: criteria provided, single submitter. Criteria: CeGaT Center For Human Genetics Tuebingen Variant Classification Criteria Version 2. Collection method: clinical testing. Allele origin: germline. Affected: yes. Observed: 1 variant allele.
Comment: NR2F1: PVS1:Strong, PM2, PS2:Moderate

NM_005654.6(NR2F1):c.667del (p.Ala223fs)

Gene: NR2F1 (nuclear receptor subfamily 2 group F member 1; plus strand). Cytogenetic location: 5q15.
Variant type: Deletion.
Coding change: c.667del on transcript NM_005654.6 (MANE Select); coding-DNA position 667, one base deleted (G; older notation c.667delG).
Protein change: p.Ala223fs; shifts the reading frame from alanine 223.
Molecular consequence: frameshift variant.
Genome position (GRCh38, 1-based): chr5:93,588,120, G deleted; the last of 2 consecutive G bases (chr5:93,588,119-93,588,120); deleting either gives the same sequence. VCF-style (leftmost placement, unchanged base first): chr5-93588118-TG-T. GRCh37 (hg19) VCF-style: chr5-92923824-TG-T.
Other names: c.217del, p.Ala73fs (NM_001410754.1); short protein forms A223fs, A73fs.
Identifiers: ClinVar variation 4535377 (VCV004535377.6).